The following is an entry in ClinVar:

NM_001113491.2(SEPTIN9):c.*903C>T

Gene: SEPTIN9 (septin 9; plus strand). Cytogenetic location: 17q25.3.
Variant type: single nucleotide variant.
Coding change: c.*903C>T on transcript NM_001113491.2 (MANE Select); 903 bases downstream of the stop codon, C replaced by T.
Molecular consequence: 3 prime UTR variant.
Genome position (GRCh38, 1-based): chr17:77,499,561, C>T. VCF-style: chr17-77499561-C-T. GRCh37 (hg19) VCF-style: chr17-75495643-C-T.
Other names: c.*903C>T (NM_001113492.2, NM_001113493.2, NM_001113494.1 and 7 more transcripts).
Identifiers: ClinVar variation 325602 (VCV000325602.29), dbSNP rs886053495, ClinGen allele CA10650321.
Genomic context (GRCh38, chr17:77,499,561, plus strand): 5'-AGTGAGTCTGGTGGAGGAGCTGAGGGAGGGAGCCATGGAAGGTGCCAGAAGGAAGGTTGG[C>T]GGGGGCACGTGTGGGCCGTGGCTTGGGCTGGTCAGAGTGGCGTGAGCTGCCCGGCGCCTG-3'

ClinVar aggregate classification (germline): Conflicting classifications of pathogenicity. Review status: criteria provided, conflicting classifications (1 of 4 stars). 2 submissions from 2 submitters: Uncertain significance (1); Benign (1). Last evaluated 2022-05-01.

Conditions:
Amyotrophic neuralgia (HNA). Also called: AMYOTROPHY, HEREDITARY NEURALGIC, WITH PREDILECTION FOR BRACHIAL PLEXUS; Hereditary Brachial Plexus Neuropathy; Neuritis with Brachial Predilection; AMYOTROPHY, HEREDITARY NEURALGIC. Identifiers: Orphanet 2901, MedGen C1834304, MONDO:0008076, OMIM 162100.

Allele frequency attached by ClinVar (database versions not stated): gnomAD 0.00038 and 0.00044; TOPMed 0.00049; gnomAD exomes 0.00084.
gnomAD v4.1: 320 of 453,696 alleles (0.071%); highest among the groups gnomAD compares: South Asian, 0.26%; 1 homozygote.

Submissions (2):

CeGaT Center for Human Genetics Tuebingen
Classification: Benign. Last evaluated: 2022-05-01. Review status: criteria provided, single submitter. Criteria: CeGaT Center For Human Genetics Tuebingen Variant Classification Criteria Version 2. Collection method: clinical testing. Allele origin: germline. Affected: yes. Observed: 1 variant allele.
Comment: SEPTIN9: BS1, BS2

Illumina Laboratory Services, Illumina
Classification: Uncertain significance for Amyotrophy, hereditary neuralgic. Last evaluated: 2018-01-12. Review status: criteria provided, single submitter. Criteria: ICSL Variant Classification Criteria 13 December 2019. Collection method: clinical testing. Allele origin: germline.